The following is an entry in ClinVar:

ClinVar aggregate classification (germline): Likely pathogenic (1 of 4 stars; one submission).

Conditions:
Holocarboxylase synthetase deficiency. Also called: MULTIPLE CARBOXYLASE DEFICIENCY, EARLY ONSET. Identifiers: Orphanet 79242, MedGen C0268581, MONDO:0009666, OMIM 253270.

Submission:

Myriad Genetics, Inc.
Classification: Likely pathogenic for Holocarboxylase synthetase deficiency. Last evaluated: 2019-03-30. Review status: criteria provided, single submitter. Criteria: Myriad Women's Health Autosomal Recessive and X-Linked Classification Criteria (2019). Collection method: clinical testing. Allele origin: unknown.
Comment: NM_000411.6(HLCS):c.1330G>T(E444*) is expected to be pathogenic in the context of holocarboxylase synthetase deficiency. This variant is predicted to lead to an abnormal or absent protein product due to the creation of a premature termination codon in HLCS, a gene where loss-of-function variants are known to be pathogenic. Please note: this variant was assessed in the context of healthy population screening.

NM_001352514.2(HLCS):c.1771G>T (p.Glu591Ter)

Gene: HLCS (holocarboxylase synthetase; minus strand). Cytogenetic location: 21q22.13.
Variant type: single nucleotide variant.
Coding change: c.1771G>T on transcript NM_001352514.2 (MANE Select); coding-DNA position 1771, G replaced by T.
Protein change: p.Glu591Ter; replaces glutamic acid 591 with a stop codon.
Molecular consequence: nonsense. On other transcripts: non-coding transcript variant (2).
Genome position (GRCh38, 1-based): chr21:36,896,981, C>A on the plus strand (G>T on the coding strand, the complement: HLCS is on the minus strand). VCF-style: chr21-36896981-C-A. GRCh37 (hg19) VCF-style: chr21-38269281-C-A.
Other names: c.1330G>T, p.Glu444Ter (NM_000411.8, NM_001242784.3, NM_001242785.2 and 4 more transcripts); short protein forms E444*, E591*.
Identifiers: ClinVar variation 983894 (VCV000983894.3), dbSNP rs2065038117, ClinGen allele CA409966511.